The following is an entry in ClinVar:

NM_001042492.3(NF1):c.5215G>A (p.Val1739Ile)

Gene: NF1 (neurofibromin 1; plus strand). Cytogenetic location: 17q11.2.
Variant type: single nucleotide variant.
Coding change: c.5215G>A on transcript NM_001042492.3 (MANE Select); coding-DNA position 5215, G replaced by A.
Protein change: p.Val1739Ile; replaces valine 1739 with isoleucine.
Molecular consequence: missense variant.
Genome position (GRCh38, 1-based): chr17:31,326,199, G>A. VCF-style: chr17-31326199-G-A. GRCh37 (hg19) VCF-style: chr17-29653217-G-A.
Other names: c.5152G>A, p.Val1718Ile (NM_000267.4); short protein forms V1718I, V1739I.
Identifiers: ClinVar variation 1745679 (VCV001745679.8), dbSNP rs876659956, ClinGen allele CA399008171.

ClinVar aggregate classification (germline): Uncertain significance. Review status: criteria provided, multiple submitters, no conflicts (2 of 4 stars). 2 submissions from 2 submitters: Uncertain significance (2). Last evaluated 2026-07-08.

Conditions:
Neurofibromatosis, type 1 (NF1). Also called: VON RECKLINGHAUSEN DISEASE; Peripheral type neurofibromatosis; Neurofibromatosis, type I; NEUROFIBROMATOSIS, TYPE I, SOMATIC. Identifiers: Orphanet 636, MedGen C0027831, MONDO:0018975, OMIM 162200. Disease mechanism: loss of function.
Cardiovascular phenotype. Identifiers: MedGen CN230736.
Hereditary cancer-predisposing syndrome. Also called: Hereditary Cancer Syndrome; Hereditary neoplastic syndrome; Neoplastic Syndromes, Hereditary; Tumor predisposition. Identifiers: Orphanet 140162, MedGen C0027672, MeSH D009386, MONDO:0015356.

gnomAD v4.1: 3 of 1,613,116 alleles (0.00019%); highest among the groups gnomAD compares: Non-Finnish European, 0.00025%; no homozygotes.

Submissions (2):

Ambry Genetics
Classification: Uncertain significance for Cardiovascular phenotype; Hereditary cancer-predisposing syndrome. Last evaluated: 2026-07-08. Review status: criteria provided, single submitter. Criteria: Ambry Variant Classification Scheme 2023. Collection method: clinical testing. Allele origin: germline.
Comment: The p.V1718I variant (also known as c.5152G>A), located in coding exon 36 of the NF1 gene, results from a G to A substitution at nucleotide position 5152. The valine at codon 1718 is replaced by isoleucine, an amino acid with highly similar properties. This amino acid position is highly conserved in available vertebrate species. In addition, this alteration is predicted to be tolerated by in silico analysis. Based on the available evidence, the clinical significance of this variant remains unclear.

Labcorp Genetics (formerly Invitae), Labcorp
Classification: Uncertain significance for Neurofibromatosis, type 1. Last evaluated: 2025-09-03. Review status: criteria provided, single submitter. Criteria: Invitae Variant Classification Sherloc (09022015). Collection method: clinical testing. Allele origin: germline.
Comment: This sequence change replaces valine, which is neutral and non-polar, with isoleucine, which is neutral and non-polar, at codon 1718 of the NF1 protein (p.Val1718Ile). This variant is not present in population databases (gnomAD no frequency). This variant has not been reported in the literature in individuals affected with NF1-related conditions. ClinVar contains an entry for this variant (Variation ID: 1745679). Invitae Evidence Modeling of protein sequence and biophysical properties (such as structural, functional, and spatial information, amino acid conservation, physicochemical variation, residue mobility, and thermodynamic stability) indicates that this missense variant is not expected to disrupt NF1 protein function with a negative predictive value of 95%. In summary, the available evidence is currently insufficient to determine the role of this variant in disease. Therefore, it has been classified as a Variant of Uncertain Significance.